The following is an entry in ClinVar:

ClinVar aggregate classification (germline): Uncertain significance (1 of 4 stars; one submission).

Submission:

Labcorp Genetics (formerly Invitae), Labcorp
Classification: Uncertain significance. Last evaluated: 2023-07-30. Review status: criteria provided, single submitter. Criteria: Invitae Variant Classification Sherloc (09022015). Collection method: clinical testing. Allele origin: germline.
Comment: This sequence change replaces histidine, which is basic and polar, with tyrosine, which is neutral and polar, at codon 450 of the MPDZ protein (p.His450Tyr). This variant is not present in population databases (gnomAD no frequency). This variant has not been reported in the literature in individuals affected with MPDZ-related conditions. An algorithm developed to predict the effect of missense changes on protein structure and function (PolyPhen-2) suggests that this variant is likely to be disruptive. In summary, the available evidence is currently insufficient to determine the role of this variant in disease. Therefore, it has been classified as a Variant of Uncertain Significance.

NM_001378778.1(MPDZ):c.1348C>T (p.His450Tyr)

Gene: MPDZ (multiple PDZ domain crumbs cell polarity complex component; minus strand). Cytogenetic location: 9p23.
Variant type: single nucleotide variant.
Coding change: c.1348C>T on transcript NM_001378778.1 (MANE Select); coding-DNA position 1348, C replaced by T.
Protein change: p.His450Tyr; replaces histidine 450 with tyrosine.
Molecular consequence: missense variant.
Genome position (GRCh38, 1-based): chr9:13,206,042, G>A on the plus strand (C>T on the coding strand, the complement: MPDZ is on the minus strand). VCF-style: chr9-13206042-G-A. GRCh37 (hg19) VCF-style: chr9-13206041-G-A.
Other names: c.1348C>T, p.His450Tyr (NM_003829.5, NM_001261406.2, NM_001261407.2 and 14 more transcripts); short protein forms H450Y.
Identifiers: ClinVar variation 2739679 (VCV002739679.3), dbSNP rs910748009, ClinGen allele CA189307334.